The following is an entry in ClinVar:

ClinVar aggregate classification (germline): Uncertain significance (1 of 4 stars; one submission).

Allele frequency attached by ClinVar (database versions not stated): ESP Exome Variant Server 0.00008.

Submission:

Labcorp Genetics (formerly Invitae), Labcorp
Classification: Uncertain significance. Last evaluated: 2022-01-26. Review status: criteria provided, single submitter. Criteria: Invitae Variant Classification Sherloc (09022015). Collection method: clinical testing. Allele origin: germline.
Comment: In summary, the available evidence is currently insufficient to determine the role of this variant in disease. Therefore, it has been classified as a Variant of Uncertain Significance. Algorithms developed to predict the effect of sequence changes on RNA splicing suggest that this variant may create or strengthen a splice site. Advanced modeling of protein sequence and biophysical properties (such as structural, functional, and spatial information, amino acid conservation, physicochemical variation, residue mobility, and thermodynamic stability) performed at Invitae indicates that this missense variant is not expected to disrupt SLC6A19 protein function. This variant has not been reported in the literature in individuals affected with SLC6A19-related conditions. This variant is present in population databases (rs375991947, gnomAD 0.0009%). This sequence change replaces aspartic acid, which is acidic and polar, with tyrosine, which is neutral and polar, at codon 615 of the SLC6A19 protein (p.Asp615Tyr).

NM_001003841.3(SLC6A19):c.1843G>T (p.Asp615Tyr)

Gene: SLC6A19 (solute carrier family 6 member 19; plus strand). Cytogenetic location: 5p15.33.
Variant type: single nucleotide variant.
Coding change: c.1843G>T on transcript NM_001003841.3 (MANE Select); coding-DNA position 1843, G replaced by T.
Protein change: p.Asp615Tyr; replaces aspartic acid 615 with tyrosine.
Molecular consequence: missense variant.
Genome position (GRCh38, 1-based): chr5:1,221,842, G>T. VCF-style: chr5-1221842-G-T. GRCh37 (hg19) VCF-style: chr5-1221957-G-T.
Other names: short protein forms D615Y.
Identifiers: ClinVar variation 1468013 (VCV001468013.8), dbSNP rs375991947, ClinGen allele CA3183310.